The following is an entry in ClinVar:

ClinVar aggregate classification (germline): Conflicting classifications of pathogenicity. Review status: criteria provided, conflicting classifications (1 of 4 stars). 3 submissions from 3 submitters: Likely pathogenic (2); Uncertain significance (1). Last evaluated 2026-07-27.

Conditions:
Familial adenomatous polyposis 2. Also called: MUTYH-associated polyposis; MUTYH-related attenuated familial adenomatous polyposis; COLORECTAL ADENOMATOUS POLYPOSIS, AUTOSOMAL RECESSIVE; ADENOMAS, MULTIPLE COLORECTAL, AUTOSOMAL RECESSIVE; MUTYH Polyposis; MYH-associated polyposis. Identifiers: Orphanet 220460, Orphanet 247798, MedGen C3272841, MONDO:0012041, OMIM 608456.
Hereditary cancer-predisposing syndrome. Also called: Tumor predisposition; Hereditary Cancer Syndrome; Hereditary neoplastic syndrome; Neoplastic Syndromes, Hereditary. Identifiers: Orphanet 140162, MedGen C0027672, MeSH D009386, MONDO:0015356.

Submissions (3):

Myriad Genetics, Inc.
Classification: Likely pathogenic for Familial adenomatous polyposis 2. Last evaluated: 2026-07-27. Review status: criteria provided, single submitter. Criteria: Myriad Autosomal Dominant, Autosomal Recessive and X-Linked Classification Criteria (2023). Collection method: clinical testing. Allele origin: unknown.
Comment: This variant is considered likely pathogenic. This variant has been reported in multiple individuals with clinical features of gene-specific disease [Myriad internal data]. Functional studies indicate this variant impacts protein function [PMID: 40738107]. This variant is expected to disrupt protein structure [Myriad internal data].

Labcorp Genetics (formerly Invitae), Labcorp
Classification: Uncertain significance for Familial adenomatous polyposis 2. Last evaluated: 2025-12-14. Review status: criteria provided, single submitter. Criteria: Invitae Variant Classification Sherloc (09022015). Collection method: clinical testing. Allele origin: germline.
Comment: This sequence change replaces methionine, which is neutral and non-polar, with leucine, which is neutral and non-polar, at codon 283 of the MUTYH protein (p.Met283Leu). This variant is not present in population databases (gnomAD no frequency). This variant has not been reported in the literature in individuals affected with MUTYH-related conditions. ClinVar contains an entry for this variant (Variation ID: 1486820). An algorithm developed to predict the effect of missense changes on protein structure and function (PolyPhen-2) suggests that this variant is likely to be disruptive. This variant disrupts the p.Met283 amino acid residue in MUTYH. Other variant(s) that disrupt this residue have been determined to be pathogenic (PMID: 16941501, 18172263, 20848659, 23322991). This suggests that this residue is clinically significant, and that variants that disrupt this residue are likely to be disease-causing. In summary, the available evidence is currently insufficient to determine the role of this variant in disease. Therefore, it has been classified as a Variant of Uncertain Significance.

Ambry Genetics
Classification: Likely pathogenic for Hereditary cancer-predisposing syndrome. Last evaluated: 2025-08-15. Review status: criteria provided, single submitter. Criteria: Ambry Variant Classification Scheme 2023. Collection method: clinical testing. Allele origin: germline.
Comment: The p.M283L variant (also known as c.847A>T), located in coding exon 10 of the MUTYH gene, results from an A to T substitution at nucleotide position 847. The methionine at codon 283 is replaced by leucine, an amino acid with highly similar properties. In a massively parallel cell-based functional assay testing 7,8-dihydro-8- oxoguanine:adenine (8OG:A) repair activity, a byproduct of oxidative damage, this variant was reported to be non-functional (Hemker SL et al. Am J Hum Genet. Published online July 29, 2025. DOI: 10.1016/j.ajhg.2025.07.005). This amino acid position is highly conserved in available vertebrate species. In addition, this alteration is predicted to be deleterious by in silico analysis. This variant is considered to be rare based on population cohorts in the Genome Aggregation Database (gnomAD). Based on the majority of available evidence to date, this variant is likely to be pathogenic.

Literature cited by the submitters: PubMed 40738107 (cited by Myriad Genetics, Inc. and Ambry Genetics); PubMed 16941501 (cited by Labcorp Genetics (formerly Invitae), Labcorp); PubMed 18172263 (cited by Labcorp Genetics (formerly Invitae), Labcorp); PubMed 20848659 (cited by Labcorp Genetics (formerly Invitae), Labcorp); PubMed 23322991 (cited by Labcorp Genetics (formerly Invitae), Labcorp).

NM_001048174.2(MUTYH):c.763A>T (p.Met255Leu)

Gene: MUTYH (mutY DNA glycosylase; minus strand). Cytogenetic location: 1p34.1.
Variant type: single nucleotide variant.
Coding change: c.763A>T on transcript NM_001048174.2 (MANE Select); coding-DNA position 763, A replaced by T.
Protein change: p.Met255Leu; replaces methionine 255 with leucine.
Molecular consequence: missense variant. On other transcripts: non-coding transcript variant (2).
Genome position (GRCh38, 1-based): chr1:45,332,252, T>A on the plus strand (A>T on the coding strand, the complement: MUTYH is on the minus strand). VCF-style: chr1-45332252-T-A. GRCh37 (hg19) VCF-style: chr1-45797924-T-A.
Other names: c.766A>T, p.Met256Leu (NM_001048172.2); c.763A>T, p.Met255Leu (NM_001048173.2, NM_001293195.2, NM_001048171.2); c.847A>T, p.Met283Leu (NM_001128425.2); c.808A>T, p.Met270Leu (NM_001293190.2); c.796A>T, p.Met266Leu (NM_001293191.2); c.487A>T, p.Met163Leu (NM_001293192.2, NM_001293196.2); c.418A>T, p.Met140Leu (NM_001350650.2, NM_001350651.2); c.838A>T, p.Met280Leu (NM_012222.3); and 1 more; short protein forms M256L, M280L, M163L, M140L, M255L, M283L, M266L, M270L.
Identifiers: ClinVar variation 1486820 (VCV001486820.9), dbSNP rs876659676, ClinGen allele CA340134596.
Genomic context (GRCh38, chr1:45,332,252, plus strand): 5'-CCACAGGGCACTGGCTGCACAGTGGGCGCTGTGGGGTACACACTGTGGCCCCTAGCTCCA[T>A]GGCTGCTTGGTTGAAATCTCCTGGCCGGGCTGGGTCCACCAGCTGCTGGGCTAGACCCCT-3'
Protein context (NP_001041639.1, residues 245-265): ARPGDFNQAA[Met255Leu]ELGATVCTPQ